The following is an entry in ClinVar:

ClinVar aggregate classification (germline): Uncertain significance (1 of 4 stars; one submission).

Submission:

Ambry Genetics
Classification: Uncertain significance. Last evaluated: 2025-05-17. Review status: criteria provided, single submitter. Criteria: Ambry Variant Classification Scheme 2023. Collection method: clinical testing. Allele origin: germline.
Comment: The p.E299Q variant (also known as c.895G>C), located in coding exon 7 of the GEN1 gene, results from a G to C substitution at nucleotide position 895. The glutamic acid at codon 299 is replaced by glutamine, an amino acid with highly similar properties. This amino acid position is conserved. In addition, this alteration is predicted to be tolerated by in silico analysis. Based on the available evidence, the clinical significance of this variant remains unclear.

NM_001130009.3(GEN1):c.895G>C (p.Glu299Gln)

Gene: GEN1 (GEN1 Holliday junction 5' flap endonuclease; plus strand). Cytogenetic location: 2p24.2.
Variant type: single nucleotide variant.
Coding change: c.895G>C on transcript NM_001130009.3 (MANE Select); coding-DNA position 895, G replaced by C.
Protein change: p.Glu299Gln; replaces glutamic acid 299 with glutamine.
Molecular consequence: missense variant.
Genome position (GRCh38, 1-based): chr2:17,772,726, G>C. VCF-style: chr2-17772726-G-C. GRCh37 (hg19) VCF-style: chr2-17953993-G-C.
Other names: c.895G>C, p.Glu299Gln (NM_182625.5); short protein forms E299Q.
Identifiers: ClinVar variation 4029304 (VCV004029304.1).